The following is an entry in ClinVar:

NM_001368894.2(PAX6):c.683G>C (p.Arg228Thr)

Gene: PAX6 (paired box 6; minus strand). Cytogenetic location: 11p13.
Variant type: single nucleotide variant.
Coding change: c.683G>C on transcript NM_001368894.2 (MANE Select); coding-DNA position 683, G replaced by C.
Protein change: p.Arg228Thr; replaces arginine 228 with threonine.
Molecular consequence: missense variant. On other transcripts: non-coding transcript variant (2).
Genome position (GRCh38, 1-based): chr11:31,794,671, C>G on the plus strand (G>C on the coding strand, the complement: PAX6 is on the minus strand). VCF-style: chr11-31794671-C-G. GRCh37 (hg19) VCF-style: chr11-31816219-C-G.
Other names: c.641G>C, p.Arg214Thr (NM_000280.6, NM_001127612.3, NM_001258464.2 and 10 more transcripts); c.683G>C, p.Arg228Thr (NM_001258462.3, NM_001258463.2, NM_001310158.2 and 6 more transcripts); c.233G>C, p.Arg78Thr (NM_001310160.2, NM_001310161.3, NM_001368899.2 and 11 more transcripts); c.884G>C, p.Arg295Thr (NM_001368910.2); c.686G>C, p.Arg229Thr (NM_001368911.2); c.758G>C, p.Arg253Thr (NM_001368918.2, NM_001368919.2); c.716G>C, p.Arg239Thr (NM_001368920.2); c.482G>C, p.Arg161Thr (NM_001368921.2, NM_001368922.2, NM_001368923.2 and 4 more transcripts); and 2 more; short protein forms R13T, R147T, R161T, R214T, R228T, R229T, R239T, R253T.
Identifiers: ClinVar variation 1690951 (VCV001690951.2), dbSNP rs2134657107, ClinGen allele CA379956896.

ClinVar aggregate classification (germline): Likely pathogenic (1 of 4 stars; one submission).

Submission:

Laboratorio de Genetica e Diagnostico Molecular, Hospital Israelita Albert Einstein
Classification: Likely pathogenic. Last evaluated: 2019-05-26. Review status: criteria provided, single submitter. Criteria: ACMG Guidelines, 2015. Collection method: clinical testing. Allele origin: germline. Affected: yes.
Comment: ACMG classification criteria: PM1, PM2, PP3, PP4